The following is an entry in ClinVar:

NM_001127221.2(CACNA1A):c.5585C>A (p.Pro1862His)

Gene: CACNA1A (calcium voltage-gated channel subunit alpha1 A; minus strand). Cytogenetic location: 19p13.13.
Variant type: single nucleotide variant.
Coding change: c.5585C>A on transcript NM_001127221.2 (MANE Plus Clinical); coding-DNA position 5585, C replaced by A.
Protein change: p.Pro1862His; replaces proline 1862 with histidine.
Molecular consequence: missense variant. On other transcripts: intron variant (4).
Genome position (GRCh38, 1-based): chr19:13,228,742, G>T on the plus strand (C>A on the coding strand, the complement: CACNA1A is on the minus strand). VCF-style: chr19-13228742-G-T. GRCh37 (hg19) VCF-style: chr19-13339556-G-T.
Other names: c.5529-1215C>A (NM_001127222.2); c.5538-1215C>A (NM_001174080.2); c.5547-1215C>A (NM_000068.4, NM_023035.3); short protein forms P1862H.
Identifiers: ClinVar variation 4813596 (VCV004813596.2).

ClinVar aggregate classification (germline): Uncertain significance. Review status: criteria provided, multiple submitters, no conflicts (2 of 4 stars). 2 submissions from 2 submitters: Uncertain significance (2). Last evaluated 2026-03-05.

Conditions:
Developmental and epileptic encephalopathy, 42 (DEE42A). Also called: Epileptic encephalopathy, early infantile, 42; DEVELOPMENTAL AND EPILEPTIC ENCEPHALOPATHY 42A; EPILEPTIC ENCEPHALOPATHY, EARLY INFANTILE, 42A. Identifiers: MedGen C4310716, MONDO:0014917, OMIM 617106.

Submissions (2):

Mendelics
Classification: Uncertain significance for Developmental and epileptic encephalopathy, 42. Last evaluated: 2026-03-05. Review status: criteria provided, single submitter. Criteria: ACMG Guidelines, 2015. Collection method: clinical testing. Allele origin: unknown.
Comment: The available evidence is insufficient to conclusively determine the role of this variant. Therefore, it is classified as a Variant of Uncertain Significance.

Blueprint Genetics
Classification: Uncertain significance. Last evaluated: 2024-04-16. Review status: criteria provided, single submitter. Criteria: ACMG Guidelines, 2015. Collection method: clinical testing. Allele origin: germline.